The following is an entry in ClinVar:

NM_000193.4(SHH):c.562+324A>G

Gene: SHH (sonic hedgehog signaling molecule; minus strand). Cytogenetic location: 7q36.3.
Variant type: single nucleotide variant.
Coding change: c.562+324A>G on transcript NM_000193.4 (MANE Select); 324 bases into the intron after coding-DNA position 562, A replaced by G.
Molecular consequence: intron variant.
Genome position (GRCh38, 1-based): chr7:155,805,972, T>C on the plus strand (A>G on the coding strand, the complement: SHH is on the minus strand). VCF-style: chr7-155805972-T-C. GRCh37 (hg19) VCF-style: chr7-155598666-T-C.
Other names: c.301+324A>G (NM_001310462.2).
Identifiers: ClinVar variation 667597 (VCV000667597.1), dbSNP rs9333625, ClinGen allele CA12577082.
Genomic context (GRCh38, chr7:155,805,972, plus strand): 5'-TTCTTAAGCCCTAAACGAGAGGAAGGAGCTCGCCCAGACCTGGCTAACCGCGCAGGGCTG[T>C]CTTCCCTCGCCTGGAAGGGCCTAGCGCCCCTCCCCCAGTCACGCTTTCCCACCCCCTGCA-3'

ClinVar aggregate classification (germline): Benign (1 of 4 stars; one submission).

Allele frequency attached by ClinVar (database versions not stated): gnomAD 0.23978 and 0.23985; TOPMed 0.24856; 1000 Genomes Project 0.30691; 1000 Genomes Project 30x 0.30746.
gnomAD v4.1: 36,417 of 152,118 alleles (24%); highest among the groups gnomAD compares: African/African-American, 38%; 5,110 homozygotes.

Submission:

GeneDx
Classification: Benign. Last evaluated: 2018-06-16. Review status: criteria provided, single submitter. Criteria: GeneDx Variant Classification (06012015). Collection method: clinical testing. Allele origin: germline. Affected: yes.
Comment: This variant is considered likely benign or benign based on one or more of the following criteria: it is a conservative change, it occurs at a poorly conserved position in the protein, it is predicted to be benign by multiple in silico algorithms, and/or has population frequency not consistent with disease.